The following is an entry in ClinVar:

NM_014714.4(IFT140):c.2434G>T (p.Val812Leu)

Gene: IFT140 (intraflagellar transport 140; minus strand). Cytogenetic location: 16p13.3.
Variant type: single nucleotide variant.
Coding change: c.2434G>T on transcript NM_014714.4 (MANE Select); coding-DNA position 2434, G replaced by T.
Protein change: p.Val812Leu; replaces valine 812 with leucine.
Molecular consequence: missense variant.
Genome position (GRCh38, 1-based): chr16:1,526,762, C>A on the plus strand (G>T on the coding strand, the complement: IFT140 is on the minus strand). VCF-style: chr16-1526762-C-A. GRCh37 (hg19) VCF-style: chr16-1576763-C-A.
Other names: short protein forms V812L.
Identifiers: ClinVar variation 939989 (VCV000939989.7), dbSNP rs569828117, ClinGen allele CA394228459.

ClinVar aggregate classification (germline): Uncertain significance (1 of 4 stars; one submission).

Conditions:
Saldino-Mainzer syndrome (SRTD9). Also called: CONORENAL SYNDROME; SHORT-RIB THORACIC DYSPLASIA 9 WITHOUT POLYDACTYLY; short-rib thoracic dysplasia 9 with or without polydactyly; Renal dysplasia, retinal pigmentary dystrophy, cerebellar ataxia and skeletal dysplasia. Identifiers: Orphanet 140969, MedGen C1849437, MONDO:0009964, OMIM 266920.

gnomAD v4.1: 2 of 1,610,420 alleles (0.00012%); highest among the groups gnomAD compares: African/African-American, 0.0027%; no homozygotes.

Submission:

Labcorp Genetics (formerly Invitae), Labcorp
Classification: Uncertain significance for Saldino-Mainzer syndrome. Last evaluated: 2022-07-12. Review status: criteria provided, single submitter. Criteria: Invitae Variant Classification Sherloc (09022015). Collection method: clinical testing. Allele origin: germline.
Comment: This sequence change replaces valine, which is neutral and non-polar, with leucine, which is neutral and non-polar, at codon 812 of the IFT140 protein (p.Val812Leu). The frequency data for this variant in the population databases is considered unreliable, as metrics indicate poor data quality at this position in the gnomAD database. This variant has not been reported in the literature in individuals affected with IFT140-related conditions. ClinVar contains an entry for this variant (Variation ID: 939989). Algorithms developed to predict the effect of missense changes on protein structure and function are either unavailable or do not agree on the potential impact of this missense change (SIFT: "Deleterious"; PolyPhen-2: "Possibly Damaging"; Align-GVGD: "Class C0"). In summary, the available evidence is currently insufficient to determine the role of this variant in disease. Therefore, it has been classified as a Variant of Uncertain Significance.